The following is an entry in ClinVar:

ClinVar aggregate classification (germline): Likely pathogenic. Review status: criteria provided, multiple submitters, no conflicts (2 of 4 stars). 6 submissions from 6 submitters: Likely pathogenic (5). 1 of the submissions does not count toward it. Last evaluated 2026-05-29.

Conditions:
RNU4ATAC-related disorder. Also called: RNU4ATAC-related condition.
CLASP1-related disorder. Also called: CLASP1-related condition.
Osteodysplastic primordial dwarfism, type 1 (MOPD1). Also called: MOPD I; Microcephalic Osteodysplastic Primordial Dwarfism Type I/III (MOPDI) / Taybi-Linder Syndrome; Microcephalic Osteodysplastic Primordial Dwarfism, Type I; MOPD, SICILIAN FAIRY TYPE; BRACHYMELIC PRIMORDIAL DWARFISM; MICROCEPHALIC OSTEODYSPLASTIC PRIMORDIAL DWARFISM, TYPE III. Identifiers: Orphanet 2636, MedGen C1859452, MONDO:0008871, OMIM 210710.
Retinal disorder. Also called: Retinopathies; Retinal Diseases; Retinal disorders; Retinopathy. Identifiers: MedGen C0035309, MONDO:0005283, HP:0000488.

Allele frequency attached by ClinVar (database versions not stated): 1000 Genomes Project 0.00020; gnomAD 0.00005; TOPMed 0.00010; 1000 Genomes Project 30x 0.00031.
gnomAD v4.1: 42 of 699,036 alleles (0.006%); highest among the groups gnomAD compares: Middle Eastern, 0.037%; no homozygotes.

Submissions (6):

PreventionGenetics, part of Exact Sciences
Classification: Likely pathogenic for CLASP1-related condition. Last evaluated: 2026-05-29. Review status: criteria provided, single submitter. Criteria: ACMG Guidelines, 2015. Collection method: clinical testing. Allele origin: germline.
Comment: The CLASP1 c.196-584C>T variant is predicted to interfere with splicing. In addition, other non-coding variants in this gene have been reported in the compound heterozygous and homozygous states in patients with MOPD1 (He et al. 2011. PubMed ID: 21474760). This variant is reported in 0.017% of alleles in individuals of East Asian descent in gnomAD. This variant is interpreted as likely pathogenic.

Genetics Laboratory, Great Ormond Street Hospital NHS Foundation Trust, North Thames Genomic Laboratory Hub
Classification: Likely pathogenic for Retinal disorders. Last evaluated: 2025-10-30. Review status: criteria provided, single submitter. Criteria: ACGS Best Practice Guidelines for Variant Classification in Rare Disease 2024 v1.2. Collection method: clinical testing. Allele origin: germline. Affected: yes.
Comment: PM2_moderate, PS3_moderate, PM1_moderate

Labcorp Genetics (formerly Invitae), Labcorp
Classification: Likely pathogenic. Last evaluated: 2025-09-15. Review status: criteria provided, single submitter. Criteria: Invitae Variant Classification Sherloc (09022015). Collection method: clinical testing. Allele origin: germline.
Comment: This variant occurs in the RNU4ATAC gene, which encodes an RNA molecule that does not result in a protein product. This variant is present in population databases (rs374299350, gnomAD 0.01%). This variant has been observed in individual(s) with clinical features of microcephalic osteodysplastic primordial dwarfism type 1 (PMID: 21474760). In at least one individual the data is consistent with being in trans (on the opposite chromosome) from a pathogenic variant. ClinVar contains an entry for this variant (Variation ID: 30180). Functional studies have shown that this variant disrupts ncRNA function (PMID: 21474760). This variant is located within the 5' stem-loop region of the RNU4ATAC RNA, which includes the 15.5K binding site and is important for spliceosome assembly (PMID: 32628740). A significant number of disease-associated RNU4ATAC variants are found in this region (PMID: 32628740, 30368667). In summary, the currently available evidence indicates that the variant is pathogenic, but additional data are needed to prove that conclusively. Therefore, this variant has been classified as Likely Pathogenic.

Blueprint Genetics
Classification: Likely pathogenic for RNU4ATAC-related disorders. Last evaluated: 2024-11-07. Review status: criteria provided, single submitter. Criteria: ACMG Guidelines, 2015. Collection method: clinical testing. Allele origin: germline. Affected: yes. Observed: 5 variant alleles.

Diagnostics Division, CENTRE FOR DNA FINGERPRINTING AND DIAGNOSTICS
Classification: Likely pathogenic for Osteodysplastic primordial dwarfism, type 1. Last evaluated: 2018-01-01. Review status: criteria provided, single submitter. Criteria: ACMG Guidelines, 2015. Collection method: research. Allele origin: germline. Affected: yes. Observed: 1 compound heterozygote.
Comment: Missense variant

OMIM
Classification: Pathogenic for MICROCEPHALIC OSTEODYSPLASTIC PRIMORDIAL DWARFISM, TYPE I. Last evaluated: 2011-04-08. Review status: no assertion criteria provided. Collection method: literature only. Allele origin: germline. Not counted in ClinVar's aggregate classification.

Literature cited by the submitters: PubMed 21474760 (cited by Labcorp Genetics (formerly Invitae), Labcorp and OMIM); PubMed 32628740 (cited by Labcorp Genetics (formerly Invitae), Labcorp); PubMed 30368667 (cited by Labcorp Genetics (formerly Invitae), Labcorp).

NR_023343.1:n.30G>A

Genes: CLASP1 (cytoplasmic linker associated protein 1; minus strand), CLASP1-AS1 (CLASP1 antisense RNA 1; plus strand), RNU4ATAC (RNA, U4atac small nuclear; plus strand). Cytogenetic location: 2q14.2.
Variant type: single nucleotide variant.
Molecular consequence: intron variant (on NM_001395891.1).
Genome position: GRCh38 VCF-style: chr2-121530909-G-A. GRCh37 (hg19) VCF-style: chr2-122288485-G-A.
Other names: 30G-A; c.196-584C>T (NM_001142274.2, NM_015282.3, NM_001378003.1 and 6 more transcripts).
Identifiers: ClinVar variation 30180 (VCV000030180.10), dbSNP rs374299350, ClinGen allele CA129002.